The following is an entry in ClinVar:

ClinVar aggregate classification (germline): Uncertain significance (1 of 4 stars; one submission).

Conditions:
Hajdu-Cheney syndrome (HJCYS). Also called: SERPENTINE FIBULA-POLYCYSTIC KIDNEY SYNDROME; ACROOSTEOLYSIS WITH OSTEOPOROSIS AND CHANGES IN SKULL AND MANDIBLE; Acroosteolysis dominant type. Identifiers: Orphanet 955, MedGen C0917715, MONDO:0007057, OMIM 102500.

gnomAD v4.1: 1 of 1,614,202 alleles (0.000062%); highest among the groups gnomAD compares: Non-Finnish European, 0.000085%; no homozygotes.

Submission:

Labcorp Genetics (formerly Invitae), Labcorp
Classification: Uncertain significance for Hajdu-Cheney syndrome. Last evaluated: 2025-10-29. Review status: criteria provided, single submitter. Criteria: Invitae Variant Classification Sherloc (09022015). Collection method: clinical testing. Allele origin: germline.
Comment: This sequence change replaces glycine, which is neutral and non-polar, with arginine, which is basic and polar, at codon 2446 of the NOTCH2 protein (p.Gly2446Arg). This variant is not present in population databases (gnomAD no frequency). This variant has not been reported in the literature in individuals affected with NOTCH2-related conditions. ClinVar contains an entry for this variant (Variation ID: 1424925). Invitae Evidence Modeling of protein sequence and biophysical properties (such as structural, functional, and spatial information, amino acid conservation, physicochemical variation, residue mobility, and thermodynamic stability) indicates that this missense variant is not expected to disrupt NOTCH2 protein function with a negative predictive value of 80%. In summary, the available evidence is currently insufficient to determine the role of this variant in disease. Therefore, it has been classified as a Variant of Uncertain Significance.

NM_024408.4(NOTCH2):c.7336G>C (p.Gly2446Arg)

Gene: NOTCH2 (notch receptor 2; minus strand). Cytogenetic location: 1p12.
Variant type: single nucleotide variant.
Coding change: c.7336G>C on transcript NM_024408.4 (MANE Select); coding-DNA position 7336, G replaced by C.
Protein change: p.Gly2446Arg; replaces glycine 2446 with arginine.
Molecular consequence: missense variant.
Genome position (GRCh38, 1-based): chr1:119,915,386, C>G on the plus strand (G>C on the coding strand, the complement: NOTCH2 is on the minus strand). VCF-style: chr1-119915386-C-G. GRCh37 (hg19) VCF-style: chr1-120458009-C-G.
Other names: short protein forms G2446R.
Identifiers: ClinVar variation 1424925 (VCV001424925.8), dbSNP rs1379769528, ClinGen allele CA341871748.